The following is an entry in ClinVar:

ClinVar aggregate classification (germline): Uncertain significance. Review status: criteria provided, multiple submitters, no conflicts (2 of 4 stars). 2 submissions from 2 submitters: Uncertain significance (2). Last evaluated 2024-03-16.

Allele frequency attached by ClinVar (database versions not stated): ExAC 0.00001; gnomAD exomes 0.00002; gnomAD 0.00006 and 0.00007; TOPMed 0.00008.
gnomAD v4.1: 48 of 1,613,360 alleles (0.003%); highest among the groups gnomAD compares: Admixed American, 0.012%; no homozygotes.

Submissions (2):

Blueprint Genetics
Classification: Uncertain significance. Last evaluated: 2024-03-16. Review status: criteria provided, single submitter. Criteria: ACMG Guidelines, 2015. Collection method: clinical testing. Allele origin: germline.

Labcorp Genetics (formerly Invitae), Labcorp
Classification: Uncertain significance. Last evaluated: 2022-03-20. Review status: criteria provided, single submitter. Criteria: Invitae Variant Classification Sherloc (09022015). Collection method: clinical testing. Allele origin: germline.
Comment: This sequence change replaces isoleucine, which is neutral and non-polar, with threonine, which is neutral and polar, at codon 114 of the GNAT2 protein (p.Ile114Thr). This variant is present in population databases (rs775374577, gnomAD 0.004%). This variant has not been reported in the literature in individuals affected with GNAT2-related conditions. ClinVar contains an entry for this variant (Variation ID: 849211). Advanced modeling of protein sequence and biophysical properties (such as structural, functional, and spatial information, amino acid conservation, physicochemical variation, residue mobility, and thermodynamic stability) performed at Invitae indicates that this missense variant is not expected to disrupt GNAT2 protein function. In summary, the available evidence is currently insufficient to determine the role of this variant in disease. Therefore, it has been classified as a Variant of Uncertain Significance.

NM_001377295.2(GNAT2):c.341T>C (p.Ile114Thr)

Gene: GNAT2 (G protein subunit alpha transducin 2; minus strand). Cytogenetic location: 1p13.3.
Variant type: single nucleotide variant.
Coding change: c.341T>C on transcript NM_001377295.2 (MANE Select); coding-DNA position 341, T replaced by C.
Protein change: p.Ile114Thr; replaces isoleucine 114 with threonine.
Molecular consequence: missense variant.
Genome position (GRCh38, 1-based): chr1:109,608,751, A>G on the plus strand (T>C on the coding strand, the complement: GNAT2 is on the minus strand). VCF-style: chr1-109608751-A-G. GRCh37 (hg19) VCF-style: chr1-110151373-A-G.
Other names: c.341T>C, p.Ile114Thr (NM_001379232.1, NM_005272.5); short protein forms I114T.
Identifiers: ClinVar variation 849211 (VCV000849211.6), dbSNP rs775374577, ClinGen allele CA992446.